The following is an entry in ClinVar:

ClinVar aggregate classification (germline): Uncertain significance (1 of 4 stars; one submission).

Submission:

Labcorp Genetics (formerly Invitae), Labcorp
Classification: Uncertain significance. Last evaluated: 2024-04-17. Review status: criteria provided, single submitter. Criteria: Invitae Variant Classification Sherloc (09022015). Collection method: clinical testing. Allele origin: germline.
Comment: This sequence change affects codon 182 of the OR2W3 mRNA. It is a 'silent' change, meaning that it does not change the encoded amino acid sequence of the OR2W3 protein. This variant is present in population databases (no rsID available, gnomAD 0.006%). This variant has not been reported in the literature in individuals affected with OR2W3-related conditions. In summary, the available evidence is currently insufficient to determine the role of this variant in disease. Therefore, it has been classified as a Variant of Uncertain Significance.

NM_001001957.2(OR2W3):c.546C>G (p.Pro182=)

Gene: OR2W3 (olfactory receptor family 2 subfamily W member 3; plus strand). Cytogenetic location: 1q44.
Variant type: single nucleotide variant.
Coding change: c.546C>G on transcript NM_001001957.2 (MANE Select); coding-DNA position 546, C replaced by G.
Protein change: p.Pro182=; no amino-acid change (proline 182 retained).
Molecular consequence: synonymous variant.
Genome position (GRCh38, 1-based): chr1:247,896,132, C>G. VCF-style: chr1-247896132-C-G. GRCh37 (hg19) VCF-style: chr1-248059434-C-G.
Identifiers: ClinVar variation 3681109 (VCV003681109.2).
Genomic context (GRCh38, chr1:247,896,132, plus strand): 5'-GACCCTGCGCTTACCCCGCTGTGGGCACCACGAGGTGGACCACTTCCTGCGTGAGATGCC[C>G]GCCCTGATCCGGATGGCCTGCGTCAGCACTGTGGCCATCGAAGGCACCGTCTTTGTCCTG-3'
Protein context (NP_001001957.2, residues 172-192): HEVDHFLREM[Pro182=]ALIRMACVST